The following is an entry in ClinVar:

ClinVar aggregate classification (germline): Uncertain significance. Review status: criteria provided, multiple submitters, no conflicts (2 of 4 stars). 4 submissions from 4 submitters: Uncertain significance (4). Last evaluated 2025-08-23.

Conditions:
Inborn genetic diseases. Identifiers: MedGen C0950123, MeSH D030342.
Imerslund-Grasbeck syndrome. Also called: Megaloblastic anemia due to inborn errors of metabolism; ENTEROCYTE COBALAMIN MALABSORPTION; ENTEROCYTE INTRINSIC FACTOR RECEPTOR, DEFECT OF; Imerslund-Gräsbeck syndrome; PERNICIOUS ANEMIA, JUVENILE, DUE TO SELECTIVE INTESTINAL MALABSORPTION OF VITAMIN B12, WITH PROTEINURIA. Identifiers: Orphanet 35858, MedGen C4551825, MONDO:0009853.
Imerslund-Grasbeck syndrome type 1 (IGS1). Also called: Megaloblastic anemia 1, Finnish type; MEGALOBLASTIC ANEMIA, 1; Imerslund-Gräsbeck syndrome 1. Identifiers: MedGen C4016819, MONDO:0100156, OMIM 261100.
Proteinuria, chronic benign. Identifiers: MedGen C5394384, MONDO:0030042, OMIM 618884.

Allele frequency attached by ClinVar (database versions not stated): TOPMed 0.00020; ESP Exome Variant Server 0.00023; gnomAD 0.00013 and 0.00015; gnomAD exomes 0.00008 and 0.00001; ExAC 0.00012; 1000 Genomes Project 30x 0.00078; 1000 Genomes Project 0.00100.
gnomAD v4.1: 48 of 1,614,132 alleles (0.003%); highest among the groups gnomAD compares: African/African-American, 0.041%; no homozygotes.

Submissions (4):

Ambry Genetics
Classification: Uncertain significance for Inborn genetic diseases. Last evaluated: 2025-08-23. Review status: criteria provided, single submitter. Criteria: Ambry Variant Classification Scheme 2023. Collection method: clinical testing. Allele origin: germline.

Fulgent Genetics
Classification: Uncertain significance for Imerslund-Grasbeck syndrome type 1; Proteinuria, chronic benign. Last evaluated: 2024-05-22. Review status: criteria provided, single submitter. Criteria: ACMG Guidelines, 2015. Collection method: clinical testing. Allele origin: germline.

GeneDx
Classification: Uncertain significance. Last evaluated: 2023-03-07. Review status: criteria provided, single submitter. Criteria: GeneDx Variant Classification Process June 2021. Collection method: clinical testing. Allele origin: germline. Affected: yes.
Comment: In silico analysis supports that this missense variant has a deleterious effect on protein structure/function; Has not been previously published as pathogenic or benign to our knowledge

Labcorp Genetics (formerly Invitae), Labcorp
Classification: Uncertain significance for Imerslund-Grasbeck syndrome. Last evaluated: 2021-08-20. Review status: criteria provided, single submitter. Criteria: Invitae Variant Classification Sherloc (09022015). Collection method: clinical testing. Allele origin: germline.
Comment: This sequence change replaces tyrosine with cysteine at codon 1820 of the CUBN protein (p.Tyr1820Cys). The tyrosine residue is moderately conserved and there is a large physicochemical difference between tyrosine and cysteine. This variant is present in population databases (rs139369652, ExAC 0.1%). This variant has not been reported in the literature in individuals affected with CUBN-related conditions. Algorithms developed to predict the effect of missense changes on protein structure and function are either unavailable or do not agree on the potential impact of this missense change (SIFT: "Tolerated"; PolyPhen-2: "Probably Damaging"; Align-GVGD: "Class C0"). In summary, the available evidence is currently insufficient to determine the role of this variant in disease. Therefore, it has been classified as a Variant of Uncertain Significance.

NM_001081.4(CUBN):c.5459A>G (p.Tyr1820Cys)

Gene: CUBN (cubilin; minus strand). Cytogenetic location: 10p13.
Variant type: single nucleotide variant.
Coding change: c.5459A>G on transcript NM_001081.4 (MANE Select); coding-DNA position 5459, A replaced by G.
Protein change: p.Tyr1820Cys; replaces tyrosine 1820 with cysteine.
Molecular consequence: missense variant.
Genome position (GRCh38, 1-based): chr10:16,940,121, T>C on the plus strand (A>G on the coding strand, the complement: CUBN is on the minus strand). VCF-style: chr10-16940121-T-C. GRCh37 (hg19) VCF-style: chr10-16982120-T-C.
Other names: short protein forms Y1820C.
Identifiers: ClinVar variation 660402 (VCV000660402.8), dbSNP rs139369652, ClinGen allele CA5424000.